The following is an entry in ClinVar:

ClinVar aggregate classification (germline): Uncertain significance (1 of 4 stars; one submission).

Conditions:
Inflammatory bowel disease. Identifiers: Orphanet 104012, MedGen C0021390, MONDO:0005265.

Allele frequency attached by ClinVar (database versions not stated): gnomAD exomes below 0.00001; TOPMed below 0.00001; gnomAD 0.00001; ExAC 0.00002; ESP Exome Variant Server 0.00008.
gnomAD v4.1: 3 of 1,614,030 alleles (0.00019%); highest among the groups gnomAD compares: South Asian, 0.0011%; no homozygotes.

Submission:

Labcorp Genetics (formerly Invitae), Labcorp
Classification: Uncertain significance for Inflammatory bowel disease. Last evaluated: 2020-06-09. Review status: criteria provided, single submitter. Criteria: Invitae Variant Classification Sherloc (09022015). Collection method: clinical testing. Allele origin: germline.
Comment: This sequence change replaces arginine with lysine at codon 122 of the IL10 protein (p.Arg122Lys). The arginine residue is moderately conserved and there is a small physicochemical difference between arginine and lysine. This variant is present in population databases (rs371608920, ExAC 0.006%). This variant has not been reported in the literature in individuals with IL10-related conditions. Algorithms developed to predict the effect of missense changes on protein structure and function (SIFT, PolyPhen-2, Align-GVGD) all suggest that this variant is likely to be tolerated, but these predictions have not been confirmed by published functional studies and their clinical significance is uncertain. In summary, the available evidence is currently insufficient to determine the role of this variant in disease. Therefore, it has been classified as a Variant of Uncertain Significance.

NM_000572.3(IL10):c.365G>A (p.Arg122Lys)

Genes: IL10 (interleukin 10; minus strand), IL19 (interleukin 19; plus strand). Cytogenetic location: 1q32.1.
Variant type: single nucleotide variant.
Coding change: c.365G>A on transcript NM_000572.3 (MANE Select); coding-DNA position 365, G replaced by A.
Protein change: p.Arg122Lys; replaces arginine 122 with lysine.
Molecular consequence: missense variant. On other transcripts: 5 prime UTR variant (1), non-coding transcript variant (1), intron variant (1).
Genome position (GRCh38, 1-based): chr1:206,770,920, C>T on the plus strand (G>A on the coding strand, the complement: IL10 is on the minus strand). VCF-style: chr1-206770920-C-T. GRCh37 (hg19) VCF-style: chr1-206944265-C-T.
Other names: c.-307C>T (NM_153758.5); c.110G>A, p.Arg37Lys (NM_001382624.1); c.-149+90C>T (NM_001393490.1); short protein forms R122K, R37K.
Identifiers: ClinVar variation 1025334 (VCV001025334.8), dbSNP rs371608920, ClinGen allele CA1363768.